The following is an entry in ClinVar:

NM_003521.3(H2BC14):c.237A>C (p.Ser79=)

Genes: H2BC14 (H2B clustered histone 14; plus strand), LOC129996134 (ATAC-STARR-seq lymphoblastoid active region 24312; plus strand). Cytogenetic location: 6p22.1.
Variant type: single nucleotide variant.
Coding change: c.237A>C on transcript NM_003521.3 (MANE Select); coding-DNA position 237, A replaced by C.
Protein change: p.Ser79=; no amino-acid change (serine 79 retained).
Molecular consequence: synonymous variant.
Genome position (GRCh38, 1-based): chr6:27,815,280, A>C. VCF-style: chr6-27815280-A-C. GRCh37 (hg19) VCF-style: chr6-27783058-A-C.
Identifiers: ClinVar variation 4681464 (VCV004681464.5).

ClinVar aggregate classification (germline): Likely benign (1 of 4 stars; one submission).

Submission:

CeGaT Center for Human Genetics Tuebingen
Classification: Likely benign. Last evaluated: 2025-12-01. Review status: criteria provided, single submitter. Criteria: CeGaT Center For Human Genetics Tuebingen Variant Classification Criteria Version 2. Collection method: clinical testing. Allele origin: germline. Affected: yes. Observed: 1 variant allele.
Comment: H2BC14: BP4, BP7